The following is an entry in ClinVar:

ClinVar aggregate classification (germline): Benign (1 of 4 stars; one submission).

Conditions:
Oligodontia-cancer predisposition syndrome. Also called: TOOTH AGENESIS-COLORECTAL CANCER SYNDROME. Identifiers: Orphanet 300576, MedGen C1837750, MONDO:0012075, OMIM 608615. Disease mechanism: loss of function.

Submission:

Myriad Genetics, Inc.
Classification: Benign for Oligodontia-cancer predisposition syndrome. Last evaluated: 2024-07-03. Review status: criteria provided, single submitter. Criteria: Myriad Autosomal Dominant, Autosomal Recessive and X-Linked Classification Criteria (2023). Collection method: clinical testing. Allele origin: unknown.
Comment: This variant is considered benign. This variant is a silent/synonymous amino acid change and it is not expected to impact splicing.

NM_004655.4(AXIN2):c.1449C>G (p.Pro483=)

Gene: AXIN2 (axin 2; minus strand). Cytogenetic location: 17q24.1.
Variant type: single nucleotide variant.
Coding change: c.1449C>G on transcript NM_004655.4 (MANE Select); coding-DNA position 1449, C replaced by G.
Protein change: p.Pro483=; no amino-acid change (proline 483 retained).
Molecular consequence: synonymous variant.
Genome position (GRCh38, 1-based): chr17:65,537,587, G>C on the plus strand (C>G on the coding strand, the complement: AXIN2 is on the minus strand). VCF-style: chr17-65537587-G-C. GRCh37 (hg19) VCF-style: chr17-63533705-G-C.
Other names: c.1449C>G, p.Pro483= (NM_001363813.1).
Identifiers: ClinVar variation 3378943 (VCV003378943.1).
Genomic context (GRCh38, chr17:65,537,587, plus strand): 5'-TTTGCCCCCGAGGAGGGGGCAGGCGCCCGGCGAGGCGGCCGCGGGAGGCAGCTTGCCACC[G>C]GGCGGGAGCAGGGAGTGGTACTGCGAATGGTGGTGGTGGTGGTGGTCCGGGGAGCGGGAG-3'
Protein context (NP_004646.3, residues 473-493): HHSQYHSLLP[Pro483=]GGKLPPAAAS